The following is an entry in ClinVar:

NM_024642.5(GALNT12):c.188C>G (p.Pro63Arg)

Gene: GALNT12 (polypeptide N-acetylgalactosaminyltransferase 12; plus strand). Cytogenetic location: 9q22.33.
Variant type: single nucleotide variant.
Coding change: c.188C>G on transcript NM_024642.5 (MANE Select); coding-DNA position 188, C replaced by G.
Protein change: p.Pro63Arg; replaces proline 63 with arginine.
Molecular consequence: missense variant.
Genome position (GRCh38, 1-based): chr9:98,807,886, C>G. VCF-style: chr9-98807886-C-G. GRCh37 (hg19) VCF-style: chr9-101570168-C-G.
Other names: short protein forms P63R.
Identifiers: ClinVar variation 820275 (VCV000820275.5), dbSNP rs1481280788, ClinGen allele CA374222485.

ClinVar aggregate classification (germline): Uncertain significance (1 of 4 stars; one submission).

Submission:

Ambry Genetics
Classification: Uncertain significance. Last evaluated: 2025-08-22. Review status: criteria provided, single submitter. Criteria: Ambry Variant Classification Scheme 2023. Collection method: clinical testing. Allele origin: germline.
Comment: The p.P63R variant (also known as c.188C>G), located in coding exon 1 of the GALNT12 gene, results from a C to G substitution at nucleotide position 188. The proline at codon 63 is replaced by arginine, an amino acid with dissimilar properties. This amino acid position is highly conserved in available vertebrate species. In addition, this alteration is predicted to be tolerated by in silico analysis. Since supporting evidence is limited at this time, the clinical significance of this alteration remains unclear.